The following is an entry in ClinVar:

ClinVar aggregate classification (germline): Benign/Likely benign. Review status: criteria provided, multiple submitters, no conflicts (2 of 4 stars). 5 submissions from 5 submitters: Benign (2); Likely benign (2). 1 of the submissions does not count toward it. Last evaluated 2026-05-27.

Conditions:
Charcot-Marie-Tooth disease dominant intermediate E. Also called: CHARCOT-MARIE-TOOTH NEUROPATHY WITH FOCAL SEGMENTAL GLOMERULONEPHRITIS. Identifiers: Orphanet 93114, MedGen C4302667, MONDO:0013758, OMIM 614455.
Focal segmental glomerulosclerosis 5 (FSGS5). Identifiers: Orphanet 656, MedGen C2750475, MONDO:0013191, OMIM 613237.
Corticosteroids response. Also called: Corticosteroid response.

Allele frequency attached by ClinVar (database versions not stated): ExAC 0.00025; gnomAD 0.00003 and below 0.00001; gnomAD exomes 0.00021 and 0.00007.
gnomAD v4.1: 106 of 1,612,416 alleles (0.0066%); highest among the groups gnomAD compares: South Asian, 0.11%; no homozygotes.

Submissions (5):

Women's Health and Genetics/Laboratory Corporation of America, LabCorp
Classification: Likely benign. Last evaluated: 2026-05-27. Review status: criteria provided, single submitter. Criteria: LabCorp Variant Classification Summary - May 2015. Collection method: clinical testing. Allele origin: germline.

Labcorp Genetics (formerly Invitae), Labcorp
Classification: Likely benign for Charcot-Marie-Tooth disease dominant intermediate E; Focal segmental glomerulosclerosis 5. Last evaluated: 2025-12-13. Review status: criteria provided, single submitter. Criteria: Invitae Variant Classification Sherloc (09022015). Collection method: clinical testing. Allele origin: germline.

GeneDx
Classification: Benign. Last evaluated: 2021-05-07. Review status: criteria provided, single submitter. Criteria: GeneDx Variant Classification Process June 2021. Collection method: clinical testing. Allele origin: germline. Affected: yes.

Illumina Laboratory Services, Illumina
Classification: Benign for Focal segmental glomerulosclerosis 5. Last evaluated: 2018-01-13. Review status: criteria provided, single submitter. Criteria: ICSL Variant Classification Criteria 13 December 2019. Collection method: clinical testing. Allele origin: germline.
Comment: This variant was observed in the ICSL laboratory as part of a predisposition screen in an ostensibly healthy population. It had not been previously curated by ICSL or reported in the Human Gene Mutation Database (HGMD: prior to June 1st, 2018), and was therefore a candidate for classification through an automated scoring system. Utilizing variant allele frequency, disease prevalence and penetrance estimates, and inheritance mode, an automated score was calculated to assess if this variant is too frequent to cause the disease. Based on the score and internal cut-off values, a variant classified as benign is not then subjected to further curation. The score for this variant resulted in a classification of benign for this disease.

Genetic Testing Lab, Ashok and Rita Patel Institute of Integrated Study and Research in Biotechnology and Allied Sciences
Classification: drug response for Corticosteroid response. Last evaluated: 2020-01-12. Review status: no assertion criteria provided. Collection method: research. Allele origin: somatic. Affected: yes. Observed: 37 variant alleles. Not counted in ClinVar's aggregate classification.
Comment: Depending upon response to standard corticosteroid therapy, patients were classified to be either Steroid resistant (SRNS) or steroid sensitive (SSNS). Patients in remission within 4 weeks of corticosteroid therapy were classified as steroid sensitive nephrotic syndrome (SSNS). Patients not in remission within 4 weeks of corticosteroid therapy were classified as Steroid resistant nephrotic syndrome (SRNS).

NM_022489.4(INF2):c.2507T>C (p.Ile836Thr)

Gene: INF2 (inverted formin 2; plus strand). Cytogenetic location: 14q32.33.
Variant type: single nucleotide variant.
Coding change: c.2507T>C on transcript NM_022489.4 (MANE Select); coding-DNA position 2507, T replaced by C.
Protein change: p.Ile836Thr; replaces isoleucine 836 with threonine.
Molecular consequence: missense variant.
Genome position (GRCh38, 1-based): chr14:104,712,450, T>C. VCF-style: chr14-104712450-T-C. GRCh37 (hg19) VCF-style: chr14-105178787-T-C.
Other names: c.2507T>C, p.Ile836Thr (NM_001031714.4); short protein forms I836T.
Identifiers: ClinVar variation 881532 (VCV000881532.13), dbSNP rs767351070, ClinGen allele CA7372966.
Genomic context (GRCh38, chr14:104,712,450, plus strand): 5'-CGTCAGCCGTTGCTGTCTCTGCCCGGCCCTCCTCACCTTTCAGGATCAACCTGGAGATCA[T>C]CCGCTCAGAGGCCAGCTCCAACCTGAAGAAGCTTCTGGAGACCGAGCGGAAGGTGTCTGC-3'
Protein context (NP_071934.3, residues 826-846): SQAAGINLEI[Ile836Thr]RSEASSNLKK